The following is an entry in ClinVar:

ClinVar aggregate classification (germline): Pathogenic. Review status: reviewed by expert panel (3 of 4 stars). 2 submissions from 2 submitters: Pathogenic (1). 1 of the submissions does not count toward it. Last evaluated 2016-09-08.

Conditions:
Breast-ovarian cancer, familial, susceptibility to, 1 (BROVCA1). Also called: BRCA1 Hereditary Breast and Ovarian Cancer; OVARIAN CANCER, SUSCEPTIBILITY TO. Identifiers: Orphanet 145, MedGen C2676676, MONDO:0011450, OMIM 604370. Disease mechanism: loss of function.

Submissions (2):

Evidence-based Network for the Interpretation of Germline Mutant Alleles (ENIGMA)
Classification: Pathogenic for Breast-ovarian cancer, familial, susceptibility to, 1. Last evaluated: 2016-09-08. Review status: reviewed by expert panel. Criteria: ENIGMA BRCA1/2 Classification Criteria (2015). Collection method: curation. Allele origin: germline.
Comment: Variant allele predicted to encode a truncated non-functional protein.

Breast Cancer Information Core (BIC) (BRCA1)
Classification: Pathogenic for Breast-ovarian cancer, familial 1. Last evaluated: 2000-01-01. Review status: no assertion criteria provided. Collection method: clinical testing. Allele origin: somatic. Affected: yes. Observed: 1 variant allele. Not counted in ClinVar's aggregate classification.

NM_007294.4(BRCA1):c.5440del (p.Ala1814fs)

Gene: BRCA1 (BRCA1 DNA repair associated; minus strand). Cytogenetic location: 17q21.31.
Variant type: Deletion.
Coding change: c.5440del on transcript NM_007294.4 (MANE Select); coding-DNA position 5440, one base deleted (G; older notation c.5440delG).
Protein change: p.Ala1814fs; shifts the reading frame from alanine 1814.
Molecular consequence: frameshift variant. On other transcripts: non-coding transcript variant (1).
Genome position (GRCh38, 1-based): chr17:43,047,670, C deleted on the plus strand (G on the coding strand, the reverse complement: BRCA1 is on the minus strand). VCF-style (leftmost placement, unchanged base first): chr17-43047669-GC-G. GRCh37 (hg19) VCF-style: chr17-41199686-GC-G.
Other names: 5559delG; c.5293delG, p.Ala1765Profs (NM_001407843.1, NM_001407844.1, NM_001407845.1 and 12 more transcripts); c.5366delG, p.Cys1789Serfs (NM_001407854.1); c.5363delG, p.Cys1788Serfs (NM_001407858.1, NM_001407859.1, NM_001407860.1); c.5360delG, p.Cys1787Serfs (NM_001407861.1); c.5239delG, p.Ala1747Profs (NM_001407862.1); c.5236delG, p.Ala1746Profs (NM_001407863.1); c.5233delG, p.Ala1745Profs (NM_001407874.1, NM_001407875.1); and 87 more; short protein forms A1767fs, A1835fs, C685fs, A1814fs, A710fs.
Identifiers: ClinVar variation 55579 (VCV000055579.4), dbSNP rs80357946, ClinGen allele CA003598.